The following is an entry in ClinVar:

NM_152383.5(DIS3L2):c.422T>G (p.Ile141Ser)

Gene: DIS3L2 (DIS3 like 3'-5' exoribonuclease 2; plus strand). Cytogenetic location: 2q37.1.
Variant type: single nucleotide variant.
Coding change: c.422T>G on transcript NM_152383.5 (MANE Select); coding-DNA position 422, T replaced by G.
Protein change: p.Ile141Ser; replaces isoleucine 141 with serine.
Molecular consequence: missense variant. On other transcripts: non-coding transcript variant (2).
Genome position (GRCh38, 1-based): chr2:232,087,542, T>G. VCF-style: chr2-232087542-T-G. GRCh37 (hg19) VCF-style: chr2-232952252-T-G.
Other names: c.422T>G, p.Ile141Ser (NM_001257281.2, NM_001257282.2); short protein forms I141S.
Identifiers: ClinVar variation 2092028 (VCV002092028.4), dbSNP rs1696699493, ClinGen allele CA351154937.

ClinVar aggregate classification (germline): Uncertain significance (1 of 4 stars; one submission).

Conditions:
Perlman syndrome (PRLMNS). Identifiers: Orphanet 2849, MedGen C0796113, MONDO:0009965, OMIM 267000.

Submission:

Labcorp Genetics (formerly Invitae), Labcorp
Classification: Uncertain significance for Perlman syndrome. Last evaluated: 2022-02-02. Review status: criteria provided, single submitter. Criteria: Invitae Variant Classification Sherloc (09022015). Collection method: clinical testing. Allele origin: germline.
Comment: This sequence change replaces isoleucine, which is neutral and non-polar, with serine, which is neutral and polar, at codon 141 of the DIS3L2 protein (p.Ile141Ser). This variant is not present in population databases (gnomAD no frequency). This variant has not been reported in the literature in individuals affected with DIS3L2-related conditions. Algorithms developed to predict the effect of missense changes on protein structure and function (SIFT, PolyPhen-2, Align-GVGD) all suggest that this variant is likely to be tolerated. In summary, the available evidence is currently insufficient to determine the role of this variant in disease. Therefore, it has been classified as a Variant of Uncertain Significance.